The following is an entry in ClinVar:

ClinVar aggregate classification (germline): Uncertain significance (1 of 4 stars; one submission).

Conditions:
Inborn genetic diseases. Identifiers: MedGen C0950123, MeSH D030342.

Submission:

Ambry Genetics
Classification: Uncertain significance for Inborn genetic diseases. Last evaluated: 2024-04-28. Review status: criteria provided, single submitter. Criteria: Ambry Variant Classification Scheme 2023. Collection method: clinical testing. Allele origin: germline.
Comment: The p.D513V variant (also known as c.1538A>T), located in coding exon 11 of the EPAS1 gene, results from an A to T substitution at nucleotide position 1538. The aspartic acid at codon 513 is replaced by valine, an amino acid with highly dissimilar properties. This amino acid position is conserved. In addition, this alteration is predicted to be tolerated by in silico analysis. Based on the available evidence, the clinical significance of this variant remains unclear.

NM_001430.5(EPAS1):c.1538A>T (p.Asp513Val)

Gene: EPAS1 (endothelial PAS domain protein 1; plus strand). Cytogenetic location: 2p21.
Variant type: single nucleotide variant.
Coding change: c.1538A>T on transcript NM_001430.5 (MANE Select); coding-DNA position 1538, A replaced by T.
Protein change: p.Asp513Val; replaces aspartic acid 513 with valine.
Molecular consequence: missense variant.
Genome position (GRCh38, 1-based): chr2:46,378,751, A>T. VCF-style: chr2-46378751-A-T. GRCh37 (hg19) VCF-style: chr2-46605890-A-T.
Other names: short protein forms D513V.
Identifiers: ClinVar variation 3275712 (VCV003275712.1).